The following is an entry in ClinVar:

NM_014049.5(ACAD9):c.1385_1386del (p.Thr462fs)

Gene: ACAD9 (acyl-CoA dehydrogenase family member 9; plus strand). Cytogenetic location: 3q21.3.
Variant type: Microsatellite.
Coding change: c.1385_1386del on transcript NM_014049.5 (MANE Select); coding-DNA positions 1385 to 1386, 2 bases deleted (CA; older notation c.1385_1386delCA).
Protein change: p.Thr462fs; shifts the reading frame from threonine 462.
Molecular consequence: frameshift variant. On other transcripts: non-coding transcript variant (1).
Genome position (GRCh38, 1-based): chr3:128,908,999-128,909,000, CA deleted; deleting any 2 consecutive bases within chr3:128,908,997-128,909,000 gives the same sequence; the c. name uses the placement nearest the transcript's 3' end. VCF-style (leftmost placement, unchanged base first): chr3-128908996-GCA-G. GRCh37 (hg19) VCF-style: chr3-128627839-GCA-G.
Other names: c.1385_1386delCA (NM_014049.4); c.1014_1015CA[1], p.Thr339Serfs (NM_001410805.1); short protein forms T462fs.
Identifiers: ClinVar variation 2182872 (VCV002182872.7), dbSNP rs1256178504, ClinGen allele CA898722783.
Genomic context (GRCh38, chr3:128,908,996, plus strand): 5'-CGAGGCCTCCAGTCACAGGACCATGGACTTTCTGCAGTGAGCTTAAACAGGCCAAAGTGA[GCA>G]CAGTCATGGATACCGTTGGCCGGAGGCTTCGGGACTCCCTGGGCCGAACTGTGGACCTGG-3'

ClinVar aggregate classification (germline): Pathogenic/Likely pathogenic. Review status: criteria provided, multiple submitters, no conflicts (2 of 4 stars). 4 submissions from 4 submitters: Pathogenic (1); Likely pathogenic (3). Last evaluated 2024-10-24.

Conditions:
Acyl-CoA dehydrogenase 9 deficiency. Also called: MITOCHONDRIAL COMPLEX I DEFICIENCY, NUCLEAR TYPE 20; Acyl-CoA dehydrogenase family, member 9, deficiency of. Identifiers: Orphanet 99901, MedGen C4747517, MONDO:0012624, OMIM 611126.

Submissions (4):

Natera, Inc.
Classification: Likely pathogenic for ACAD9 deficiency. Last evaluated: 2024-10-24. Review status: criteria provided, single submitter. Criteria: Natera Variant Classification Schema (03/2026). Collection method: clinical testing. Allele origin: germline.
Comment: The c.1385_1386delCA variant in ACAD9 is a frameshift variant predicted to shift the reading frame beginning at codon 462 and leads to a stop codon 40 codons downstream. This variant is expected to result in nonsense mediated decay, truncation, or a dysfunctional protein product. This variant is rare in the general population with a frequency below the threshold expected for the associated phenotype(s). Given the available evidence, this variant is classified as Likely Pathogenic.

Fulgent Genetics
Classification: Likely pathogenic for Acyl-CoA dehydrogenase 9 deficiency. Last evaluated: 2024-06-03. Review status: criteria provided, single submitter. Criteria: ACMG Guidelines, 2015. Collection method: clinical testing. Allele origin: germline.

Labcorp Genetics (formerly Invitae), Labcorp
Classification: Pathogenic. Last evaluated: 2024-03-24. Review status: criteria provided, single submitter. Criteria: Invitae Variant Classification Sherloc (09022015). Collection method: clinical testing. Allele origin: germline.
Comment: This sequence change creates a premature translational stop signal (p.Thr462Serfs*40) in the ACAD9 gene. It is expected to result in an absent or disrupted protein product. Loss-of-function variants in ACAD9 are known to be pathogenic (PMID: 25721401). This variant is not present in population databases (gnomAD no frequency). This variant has not been reported in the literature in individuals affected with ACAD9-related conditions. Algorithms developed to predict the effect of sequence changes on RNA splicing suggest that this variant may disrupt the consensus splice site. For these reasons, this variant has been classified as Pathogenic.

Baylor Genetics
Classification: Likely pathogenic for Acyl-CoA dehydrogenase 9 deficiency. Last evaluated: 2023-08-28. Review status: criteria provided, single submitter. Criteria: ACMG Guidelines, 2015. Collection method: clinical testing. Allele origin: unknown.

Literature cited by the submitters: PubMed 25721401 (cited by Labcorp Genetics (formerly Invitae), Labcorp).